The following is an entry in ClinVar:

ClinVar aggregate classification (germline): Uncertain significance (1 of 4 stars; one submission).

Allele frequency attached by ClinVar (database versions not stated): TOPMed 0.00001.

Submission:

GeneDx
Classification: Uncertain significance. Last evaluated: 2023-03-15. Review status: criteria provided, single submitter. Criteria: GeneDx Variant Classification Process June 2021. Collection method: clinical testing. Allele origin: germline. Affected: yes.
Comment: Not observed at significant frequency in large population cohorts (gnomAD); In silico analysis supports that this missense variant does not alter protein structure/function; Has not been previously published as pathogenic or benign to our knowledge

NM_173500.4(TTBK2):c.2891C>T (p.Ala964Val)

Gene: TTBK2 (tau tubulin kinase 2; minus strand). Cytogenetic location: 15q15.2.
Variant type: single nucleotide variant.
Coding change: c.2891C>T on transcript NM_173500.4 (MANE Select); coding-DNA position 2891, C replaced by T.
Protein change: p.Ala964Val; replaces alanine 964 with valine.
Molecular consequence: missense variant.
Genome position (GRCh38, 1-based): chr15:42,752,355, G>A on the plus strand (C>T on the coding strand, the complement: TTBK2 is on the minus strand). VCF-style: chr15-42752355-G-A. GRCh37 (hg19) VCF-style: chr15-43044553-G-A.
Other names: short protein forms A964V.
Identifiers: ClinVar variation 2579811 (VCV002579811.1), dbSNP rs972275430, ClinGen allele CA269927157.
Genomic context (GRCh38, chr15:42,752,355, plus strand): 5'-TCCACCAGAAGCTTGACTAGGTCTGGCTGATAGGCTTTCTTTTGGAGGAGCTTTTCTTTT[G>A]CAGAAACTGGAGAGGATGATTCCAAAGTTGAGTCTATCTCTTGTGCTAAAACAGGGATTC-3'
Protein context (NP_775771.3, residues 954-974): STLESSSPVS[Ala964Val]KEKLLQKKAY